The following is an entry in ClinVar:

ClinVar aggregate classification (germline): Benign/Likely benign. Review status: criteria provided, multiple submitters, no conflicts (2 of 4 stars). 3 submissions from 3 submitters: Benign (1); Likely benign (2). Last evaluated 2025-08-20.

Conditions:
Juvenile polyposis syndrome (JPS). Identifiers: Orphanet 2929, MedGen C0345893, MONDO:0017380, OMIM 174900.
Hereditary cancer-predisposing syndrome. Also called: Hereditary neoplastic syndrome; Neoplastic Syndromes, Hereditary; Hereditary Cancer Syndrome; Tumor predisposition. Identifiers: Orphanet 140162, MedGen C0027672, MeSH D009386, MONDO:0015356.

Submissions (3):

Ambry Genetics
Classification: Likely benign for Hereditary cancer-predisposing syndrome. Last evaluated: 2025-08-20. Review status: criteria provided, single submitter. Criteria: Ambry Variant Classification Scheme 2023. Collection method: clinical testing. Allele origin: germline.

Labcorp Genetics (formerly Invitae), Labcorp
Classification: Likely benign for Juvenile polyposis syndrome. Last evaluated: 2024-11-12. Review status: criteria provided, single submitter. Criteria: Invitae Variant Classification Sherloc (09022015). Collection method: clinical testing. Allele origin: germline.

Myriad Genetics, Inc.
Classification: Benign for Juvenile polyposis syndrome. Last evaluated: 2024-08-01. Review status: criteria provided, single submitter. Criteria: Myriad Autosomal Dominant, Autosomal Recessive and X-Linked Classification Criteria (2023). Collection method: clinical testing. Allele origin: unknown.
Comment: This variant is considered benign. This variant is a silent/synonymous amino acid change and it is not expected to impact splicing.

NM_004329.3(BMPR1A):c.546C>T (p.Ser182=)

Gene: BMPR1A (bone morphogenetic protein receptor type 1A; plus strand). Cytogenetic location: 10q23.2.
Variant type: single nucleotide variant.
Coding change: c.546C>T on transcript NM_004329.3 (MANE Select); coding-DNA position 546, C replaced by T.
Protein change: p.Ser182=; no amino-acid change (serine 182 retained).
Molecular consequence: synonymous variant. On other transcripts: non-coding transcript variant (3), intron variant (1).
Genome position (GRCh38, 1-based): chr10:86,912,255, C>T. VCF-style: chr10-86912255-C-T. GRCh37 (hg19) VCF-style: chr10-88672012-C-T.
Other names: c.546C>T, p.Ser182= (NM_001406576.1, NM_001406577.1, NM_001406578.1 and 20 more transcripts); c.462C>T, p.Ser154= (NM_001406584.1, NM_001406585.1, NM_001406586.1 and 2 more transcripts); c.334-4879C>T (NM_001406589.1); c.621C>T, p.Ser207= (NM_001406559.1); c.594C>T, p.Ser198= (NM_001406560.1).
Identifiers: ClinVar variation 2716021 (VCV002716021.5), dbSNP rs2133543824, ClinGen allele CA470307588.
Genomic context (GRCh38, chr10:86,912,255, plus strand): 5'-TAGTTTTTCATTTTTAATGTAGATTGTTTTCTGCTTTTTTAAAAGACATTATTGCAAGAG[C>T]ATCTCAAGCAGACGTCGTTACAATCGTGATTTGGAACAGGATGAAGCATTTATTCCAGTT-3'
Protein context (NP_004320.2, residues 172-192): SCFCYKHYCK[Ser182=]ISSRRRYNRD